The following is an entry in ClinVar:

ClinVar aggregate classification (germline): Uncertain significance. Review status: criteria provided, single submitter (1 of 4 stars). 2 submissions from 2 submitters: Uncertain significance (1). 1 of the submissions does not count toward it. Last evaluated 2024-10-29.

Conditions:
KMT2D-related disorder. Also called: KMT2D-Related Disorders.
Kabuki syndrome. Also called: Kabuki make-up syndrome; NIIKAWA-KUROKI SYNDROME. Identifiers: Orphanet 2322, MedGen C0796004, MONDO:0016512.

Submissions (2):

Labcorp Genetics (formerly Invitae), Labcorp
Classification: Uncertain significance for Kabuki syndrome. Last evaluated: 2024-10-29. Review status: criteria provided, single submitter. Criteria: Invitae Variant Classification Sherloc (09022015). Collection method: clinical testing. Allele origin: germline.
Comment: This variant, c.5257_5259del, results in the deletion of 1 amino acid(s) of the KMT2D protein (p.Lys1753del), but otherwise preserves the integrity of the reading frame. This variant is present in population databases (no rsID available, gnomAD 0.003%). This variant has not been reported in the literature in individuals affected with KMT2D-related conditions. ClinVar contains an entry for this variant (Variation ID: 309059). Experimental studies and prediction algorithms are not available or were not evaluated, and the functional significance of this variant is currently unknown. In summary, the available evidence is currently insufficient to determine the role of this variant in disease. Therefore, it has been classified as a Variant of Uncertain Significance.

PreventionGenetics, part of Exact Sciences
Classification: Uncertain significance for KMT2D-related condition. Last evaluated: 2024-04-12. Review status: no assertion criteria provided. Collection method: clinical testing. Allele origin: germline. Not counted in ClinVar's aggregate classification.
Comment: The KMT2D c.5257_5259delAAG variant is predicted to result in an in-frame deletion (p.Lys1753del). To our knowledge, this variant has not been reported in the literature. This variant is reported in 0.0029% of alleles in individuals of Latino descent in gnomAD. At this time, the clinical significance of this variant is uncertain due to the absence of conclusive functional and genetic evidence.

NM_003482.4(KMT2D):c.5251AAG[2] (p.Lys1753del)

Gene: KMT2D (lysine methyltransferase 2D; minus strand). Cytogenetic location: 12q13.12.
Variant type: Microsatellite.
Coding change: c.5251AAG[2] on transcript NM_003482.4 (MANE Select); two copies in a row of the 3-base unit AAG starting at c.5251; the reference has three copies in a row; one copy, 3 bases deleted.
Protein change: p.Lys1753del; deletes lysine 1753.
Molecular consequence: inframe deletion.
Genome position (GRCh38, 1-based): chr12:49,043,928-49,043,930, CTT deleted on the plus strand (AAG on the coding strand, the reverse complement: KMT2D is on the minus strand); deleting any 3 consecutive bases within chr12:49,043,928-49,043,938 gives the same sequence; the position shown is the placement nearest the transcript's 3' end. VCF-style (leftmost placement, unchanged base first): chr12-49043927-GCTT-G. GRCh37 (hg19) VCF-style: chr12-49437710-GCTT-G.
Other names: c.5257_5259delAAG (NM_003482.3); short protein forms K1753del.
Identifiers: ClinVar variation 309059 (VCV000309059.15), dbSNP rs886049482, ClinGen allele CA10632929.